The following is an entry in ClinVar:

ClinVar aggregate classification (germline): Uncertain significance (1 of 4 stars; one submission).

Conditions:
Capillary malformation-arteriovenous malformation syndrome. Also called: Capillary malformation-arteriovenous malformation. Identifiers: Orphanet 137667, MedGen C1842180, MONDO:0012016.

gnomAD v4.1: 1 of 1,610,958 alleles (0.000062%); highest among the groups gnomAD compares: Non-Finnish European, 0.000085%; no homozygotes.

Submission:

Labcorp Genetics (formerly Invitae), Labcorp
Classification: Uncertain significance for Capillary malformation-arteriovenous malformation syndrome. Last evaluated: 2024-10-05. Review status: criteria provided, single submitter. Criteria: Invitae Variant Classification Sherloc (09022015). Collection method: clinical testing. Allele origin: germline.
Comment: This sequence change replaces leucine, which is neutral and non-polar, with proline, which is neutral and non-polar, at codon 186 of the RASA1 protein (p.Leu186Pro). This variant is not present in population databases (gnomAD no frequency). This variant has not been reported in the literature in individuals affected with RASA1-related conditions. An algorithm developed to predict the effect of missense changes on protein structure and function (PolyPhen-2) suggests that this variant is likely to be disruptive. In summary, the available evidence is currently insufficient to determine the role of this variant in disease. Therefore, it has been classified as a Variant of Uncertain Significance.

NM_002890.3(RASA1):c.557T>C (p.Leu186Pro)

Genes: CCNH (cyclin H; minus strand), RASA1 (RAS p21 protein activator 1; plus strand). Cytogenetic location: 5q14.3.
Variant type: single nucleotide variant.
Coding change: c.557T>C on transcript NM_002890.3 (MANE Select); coding-DNA position 557, T replaced by C.
Protein change: p.Leu186Pro; replaces leucine 186 with proline.
Molecular consequence: missense variant. On other transcripts: intron variant (1).
Genome position (GRCh38, 1-based): chr5:87,331,365, T>C. VCF-style: chr5-87331365-T-C. GRCh37 (hg19) VCF-style: chr5-86627182-T-C.
Other names: c.26T>C, p.Leu9Pro (NM_022650.3); c.934-18570A>G (NM_001364075.2); short protein forms L186P, L9P.
Identifiers: ClinVar variation 3686915 (VCV003686915.2).